The following is an entry in ClinVar:

NM_001165963.4(SCN1A):c.3185T>G (p.Met1062Arg)

Genes: SCN1A (sodium voltage-gated channel alpha subunit 1; minus strand), LOC102724058 (uncharacterized LOC102724058; plus strand). Cytogenetic location: 2q24.3.
Variant type: single nucleotide variant.
Coding change: c.3185T>G on transcript NM_001165963.4 (MANE Select); coding-DNA position 3185, T replaced by G.
Protein change: p.Met1062Arg; replaces methionine 1062 with arginine.
Molecular consequence: missense variant. On other transcripts: non-coding transcript variant (2).
Genome position (GRCh38, 1-based): chr2:166,036,292, A>C on the plus strand (T>G on the coding strand, the complement: SCN1A is on the minus strand). VCF-style: chr2-166036292-A-C. GRCh37 (hg19) VCF-style: chr2-166892802-A-C.
Other names: c.3149T>G, p.Met1050Arg (NM_001353954.2, NM_001353955.2); c.3101T>G, p.Met1034Arg (NM_001353957.2, NM_001353958.2, NM_001165964.3); c.3098T>G, p.Met1033Arg (NM_001353960.2); c.743T>G, p.Met248Arg (NM_001353961.2); c.3152T>G, p.Met1051Arg (NM_006920.6, NM_001353949.2, NM_001353950.2 and 2 more transcripts); c.3185T>G, p.Met1062Arg (NM_001202435.3, NM_001353948.2); short protein forms M1033R, M1034R, M1050R, M1051R, M1062R, M248R.
Identifiers: ClinVar variation 1715112 (VCV001715112.5), dbSNP rs2105795236, ClinGen allele CA349059622.

ClinVar aggregate classification (germline): Uncertain significance (1 of 4 stars; one submission).

Conditions:
Early-infantile DEE. Also called: Early infantile epileptic encephalopathy with suppression bursts; Early infantile epileptic encephalopathy; Ohtahara syndrome. Identifiers: Orphanet 1934, MedGen C0393706, MONDO:0800491.

Submission:

Labcorp Genetics (formerly Invitae), Labcorp
Classification: Uncertain significance for Early-infantile DEE. Last evaluated: 2022-12-29. Review status: criteria provided, single submitter. Criteria: Invitae Variant Classification Sherloc (09022015). Collection method: clinical testing. Allele origin: germline.
Comment: In summary, the available evidence is currently insufficient to determine the role of this variant in disease. Therefore, it has been classified as a Variant of Uncertain Significance. Advanced modeling of protein sequence and biophysical properties (such as structural, functional, and spatial information, amino acid conservation, physicochemical variation, residue mobility, and thermodynamic stability) performed at Invitae indicates that this missense variant is not expected to disrupt SCN1A protein function. ClinVar contains an entry for this variant (Variation ID: 1715112). This variant has not been reported in the literature in individuals affected with SCN1A-related conditions. This variant is not present in population databases (gnomAD no frequency). This sequence change replaces methionine, which is neutral and non-polar, with arginine, which is basic and polar, at codon 1062 of the SCN1A protein (p.Met1062Arg).